The following is an entry in ClinVar:

NM_152419.3(HGSNAT):c.995A>G (p.Asn332Ser)

Gene: HGSNAT (heparan-alpha-glucosaminide N-acetyltransferase; plus strand). Cytogenetic location: 8p11.21.
Variant type: single nucleotide variant.
Coding change: c.995A>G on transcript NM_152419.3 (MANE Select); coding-DNA position 995, A replaced by G.
Protein change: p.Asn332Ser; replaces asparagine 332 with serine.
Molecular consequence: missense variant. On other transcripts: intron variant (1).
Genome position (GRCh38, 1-based): chr8:43,178,217, A>G. VCF-style: chr8-43178217-A-G. GRCh37 (hg19) VCF-style: chr8-43033360-A-G.
Other names: c.995A>G (NM_152419.2); c.995A>G, p.Asn332Ser (NM_001363227.2); c.131A>G, p.Asn44Ser (NM_001363229.2); c.821-3928A>G (NM_001363228.2); short protein forms N44S, N332S.
Identifiers: ClinVar variation 1367104 (VCV001367104.8), dbSNP rs374892647, ClinGen allele CA4736698.

ClinVar aggregate classification (germline): Conflicting classifications of pathogenicity. Review status: criteria provided, conflicting classifications (1 of 4 stars). 5 submissions from 5 submitters: Likely pathogenic (1); Uncertain significance (3). 1 of the submissions does not count toward it. Last evaluated 2026-06-16.

Conditions:
Retinitis pigmentosa 73 (RP73). Identifiers: Orphanet 791, MedGen C4225287, MONDO:0014687, OMIM 616544.
Mucopolysaccharidosis, MPS-III-C (MPS3C). Also called: MPS IIIC (Sanfilippo Syndrome Type C); MUCOPOLYSACCHARIDOSIS, TYPE IIIC; Mucopolysaccharidosis type IIIC (Sanfilippo C); SANFILIPPO SYNDROME C; MPS III C; mucopolysaccharidosis type 3C. Identifiers: Orphanet 581, Orphanet 79271, MedGen C0086649, MONDO:0009657, OMIM 252930.
HGSNAT-related disorder. Also called: HGSNAT-related condition.

Allele frequency attached by ClinVar (database versions not stated): gnomAD 0.00004 and 0.00003; gnomAD exomes 0.00005 and 0.00006; ESP Exome Variant Server 0.00008; ExAC 0.00003; TOPMed 0.00003.
gnomAD v4.1: 91 of 1,550,506 alleles (0.0059%); highest among the groups gnomAD compares: Non-Finnish European, 0.0077%; no homozygotes.

Submissions (5):

Victorian Clinical Genetics Services, Murdoch Childrens Research Institute
Classification: Uncertain significance for Retinitis pigmentosa 73. Last evaluated: 2026-06-16. Review status: criteria provided, single submitter. Criteria: ACMG Guidelines, 2015. Collection method: clinical testing. Allele origin: germline.
Comment: This variant is classified as VUS-3B. Evidence in support of pathogenic classification: Variant is present in gnomAD <0.01 for a recessive condition (v4: 91 heterozygote(s), 0 homozygote(s)). Additional information: Variant is predicted to result in a missense amino acid change from Asn to Ser; This variant is heterozygous; This gene is associated with autosomal recessive disease; Alternative amino acid change(s) at the same position are present in gnomAD (highest allele count: v4: 3 heterozygote(s), 0 homozygote(s)); Previous evidence of pathogenicity for this variant is inconclusive. This variant has been classified as a VUS by clinical laboratories in ClinVar. - No published functional evidence has been identified for this variant; Another missense variant(s) comparable to the one identified in this case has inconclusive previous evidence for pathogenicity. An alternative change, p.(Asn332Asp), has been classified as a VUS by a clinical laboratory in ClinVar. - Variant is not located in an established domain, motif, hotspot or informative constraint region; Missense variant with inconclusive in silico prediction and/or uninformative conservation; Loss of function is a known mechanism of disease in this gene and is associated with mucopolysaccharidosis type IIIC (Sanfilippo C; MIM#252930) and retinitis pigmentosa 73 (MIM#616544); Inheritance information for this variant is not currently available in this individual.

Labcorp Genetics (formerly Invitae), Labcorp
Classification: Likely pathogenic for Retinitis pigmentosa 73; Mucopolysaccharidosis, MPS-III-C. Last evaluated: 2025-12-22. Review status: criteria provided, single submitter. Criteria: Invitae Variant Classification Sherloc (09022015). Collection method: clinical testing. Allele origin: germline.
Comment: This sequence change replaces asparagine, which is neutral and polar, with serine, which is neutral and polar, at codon 332 of the HGSNAT protein (p.Asn332Ser). This variant is present in population databases (rs374892647, gnomAD 0.009%). This missense change has been observed in individuals with retinitis pigmentosa (internal data). It has also been observed to segregate with disease in related individuals. ClinVar contains an entry for this variant (Variation ID: 1367104). Invitae Evidence Modeling of protein sequence and biophysical properties (such as structural, functional, and spatial information, amino acid conservation, physicochemical variation, residue mobility, and thermodynamic stability) has been performed for this missense variant. However, the output from this modeling did not meet the statistical confidence thresholds required to predict the impact of this variant on HGSNAT protein function. In summary, the currently available evidence indicates that the variant is pathogenic, but additional data are needed to prove that conclusively. Therefore, this variant has been classified as Likely Pathogenic.

Blueprint Genetics
Classification: Uncertain significance. Last evaluated: 2023-10-02. Review status: criteria provided, single submitter. Criteria: ACMG Guidelines, 2015. Collection method: clinical testing. Allele origin: germline.

Fulgent Genetics
Classification: Uncertain significance for Mucopolysaccharidosis, MPS-III-C; Retinitis pigmentosa 73. Last evaluated: 2021-08-30. Review status: criteria provided, single submitter. Criteria: ACMG Guidelines, 2015. Collection method: clinical testing. Allele origin: unknown.

PreventionGenetics, part of Exact Sciences
Classification: Uncertain significance for HGSNAT-related condition. Last evaluated: 2024-09-11. Review status: no assertion criteria provided. Collection method: clinical testing. Allele origin: germline. Not counted in ClinVar's aggregate classification.
Comment: The HGSNAT c.995A>G variant is predicted to result in the amino acid substitution p.Asn332Ser. To our knowledge, this variant has not been reported in the literature. This variant is reported in 0.010% of alleles in individuals of European (Non-Finnish) descent in gnomAD. At this time, the clinical significance of this variant is uncertain due to the absence of conclusive functional and genetic evidence.